The following is an entry in ClinVar:

ClinVar aggregate classification (germline): Pathogenic (0 of 4 stars; one submission).

Conditions:
CHD8-related disorder. Also called: CHD8-related condition; CHD8-related disorders.

Submission:

PreventionGenetics, part of Exact Sciences
Classification: Pathogenic for CHD8-related condition. Last evaluated: 2024-03-13. Review status: no assertion criteria provided. Collection method: clinical testing. Allele origin: germline.
Comment: The CHD8 c.1138C>T variant is predicted to result in premature protein termination (p.Gln380*). To our knowledge, this variant has not been reported in the literature or in a large population database, indicating this variant is rare. Nonsense variants in CHD8 are expected to be pathogenic. This variant is interpreted as pathogenic.

NM_001170629.2(CHD8):c.1138C>T (p.Gln380Ter)

Gene: CHD8 (chromodomain helicase DNA binding protein 8; minus strand). Cytogenetic location: 14q11.2.
Variant type: single nucleotide variant.
Coding change: c.1138C>T on transcript NM_001170629.2 (MANE Select); coding-DNA position 1138, C replaced by T.
Protein change: p.Gln380Ter; replaces glutamine 380 with a stop codon.
Molecular consequence: nonsense.
Genome position (GRCh38, 1-based): chr14:21,429,041, G>A on the plus strand (C>T on the coding strand, the complement: CHD8 is on the minus strand). VCF-style: chr14-21429041-G-A. GRCh37 (hg19) VCF-style: chr14-21897200-G-A.
Other names: c.301C>T, p.Gln101Ter (NM_020920.4); short protein forms Q101*, Q380*.
Identifiers: ClinVar variation 2633272 (VCV002633272.2), dbSNP rs1555318226, ClinGen allele CA388884626.